The following is an entry in ClinVar:

NM_032578.4(MYPN):c.542A>G (p.His181Arg)

Gene: MYPN (myopalladin; plus strand). Cytogenetic location: 10q21.3.
Variant type: single nucleotide variant.
Coding change: c.542A>G on transcript NM_032578.4 (MANE Select); coding-DNA position 542, A replaced by G.
Protein change: p.His181Arg; replaces histidine 181 with arginine.
Molecular consequence: missense variant. On other transcripts: 5 prime UTR variant (1), non-coding transcript variant (1).
Genome position (GRCh38, 1-based): chr10:68,121,980, A>G. VCF-style: chr10-68121980-A-G. GRCh37 (hg19) VCF-style: chr10-69881737-A-G.
Other names: c.542A>G, p.His181Arg (NM_001256267.2); c.-581A>G (NM_001256268.2); short protein forms H181R.
Identifiers: ClinVar variation 3609160 (VCV003609160.2).

ClinVar aggregate classification (germline): Uncertain significance (1 of 4 stars; one submission).

Conditions:
Dilated cardiomyopathy 1KK (CMD1KK). Identifiers: Orphanet 154, Orphanet 75249, MedGen C3714995, MONDO:0014100, OMIM 615248.

gnomAD v4.1: 2 of 1,614,238 alleles (0.00012%); highest among the groups gnomAD compares: Non-Finnish European, 0.00017%; no homozygotes.

Submission:

Labcorp Genetics (formerly Invitae), Labcorp
Classification: Uncertain significance for Dilated cardiomyopathy 1KK. Last evaluated: 2025-01-14. Review status: criteria provided, single submitter. Criteria: Invitae Variant Classification Sherloc (09022015). Collection method: clinical testing. Allele origin: germline.
Comment: This sequence change replaces histidine, which is basic and polar, with arginine, which is basic and polar, at codon 181 of the MYPN protein (p.His181Arg). This variant is not present in population databases (gnomAD no frequency). This variant has not been reported in the literature in individuals affected with MYPN-related conditions. An algorithm developed to predict the effect of missense changes on protein structure and function (PolyPhen-2) suggests that this variant is likely to be disruptive. In summary, the available evidence is currently insufficient to determine the role of this variant in disease. Therefore, it has been classified as a Variant of Uncertain Significance.